The following is an entry in ClinVar:

NM_000138.5(FBN1):c.6120T>C (p.Cys2040=)

Gene: FBN1 (fibrillin 1; minus strand). Cytogenetic location: 15q21.1.
Variant type: single nucleotide variant.
Coding change: c.6120T>C on transcript NM_000138.5 (MANE Select); coding-DNA position 6120, T replaced by C.
Protein change: p.Cys2040=; no amino-acid change (cysteine 2040 retained).
Molecular consequence: synonymous variant.
Genome position (GRCh38, 1-based): chr15:48,441,764, A>G on the plus strand (T>C on the coding strand, the complement: FBN1 is on the minus strand). VCF-style: chr15-48441764-A-G. GRCh37 (hg19) VCF-style: chr15-48733961-A-G.
Identifiers: ClinVar variation 36098 (VCV000036098.9), dbSNP rs193922221, ClinGen allele CA016244.

ClinVar aggregate classification (germline): Likely benign. Review status: criteria provided, multiple submitters, no conflicts (2 of 4 stars). 6 submissions from 6 submitters: Likely benign (6). Last evaluated 2025-07-14.

Conditions:
Familial thoracic aortic aneurysm and aortic dissection (TAAD). Also called: Thoracic aortic aneurysms and dissections. Identifiers: Orphanet 91387, MedGen C4707243, MONDO:0019625.
Marfan syndrome (MFS). Also called: MARFAN SYNDROME, TYPE I; Marfan syndrome, classic; FBN1-Related Marfan Syndrome; Marfan syndrome type 1; Marfan's syndrome. Identifiers: Orphanet 284963, Orphanet 558, MedGen C0024796, MONDO:0007947, OMIM 154700.

Allele frequency attached by ClinVar (database versions not stated): gnomAD exomes below 0.00001.
gnomAD v4.1: 6 of 1,613,760 alleles (0.00037%); highest among the groups gnomAD compares: Non-Finnish European, 0.00042%; no homozygotes.

Submissions (6):

Color Diagnostics, LLC DBA Color Health
Classification: Likely benign for Familial thoracic aortic aneurysm and aortic dissection. Last evaluated: 2025-07-14. Review status: criteria provided, single submitter. Criteria: ACMG Guidelines, 2015. Collection method: clinical testing. Allele origin: germline.

Labcorp Genetics (formerly Invitae), Labcorp
Classification: Likely benign for Marfan syndrome; Familial thoracic aortic aneurysm and aortic dissection. Last evaluated: 2025-06-12. Review status: criteria provided, single submitter. Criteria: Invitae Variant Classification Sherloc (09022015). Collection method: clinical testing. Allele origin: germline.

Ambry Genetics
Classification: Likely benign for Familial thoracic aortic aneurysm and aortic dissection. Last evaluated: 2025-03-09. Review status: criteria provided, single submitter. Criteria: Ambry Variant Classification Scheme 2023. Collection method: clinical testing. Allele origin: germline.

Blueprint Genetics
Classification: Likely benign. Last evaluated: 2019-09-20. Review status: criteria provided, single submitter. Criteria: ACMG Guidelines, 2015. Collection method: clinical testing. Allele origin: germline.

GeneDx
Classification: Likely benign. Last evaluated: 2016-04-26. Review status: criteria provided, single submitter. Criteria: GeneDx Variant Classification (06012015). Collection method: clinical testing. Allele origin: germline. Affected: yes.
Comment: This variant is considered likely benign or benign based on one or more of the following criteria: it is a conservative change, it occurs at a poorly conserved position in the protein, it is predicted to be benign by multiple in silico algorithms, and/or has population frequency not consistent with disease.

Women's Health and Genetics/Laboratory Corporation of America, LabCorp
Classification: Likely benign for Marfan Syndrome. Last evaluated: 2011-08-18. Review status: criteria provided, single submitter. Criteria: LabCorp Variant Classification Summary - May 2015. Collection method: curation, clinical testing. Allele origin: germline. Inheritance: autosomal unknown. Affected: yes.
ClinVar note: Converted during submission from likely benign to Likely benign.